The following is an entry in ClinVar:

NM_153026.3(PRICKLE1):c.1258C>T (p.Leu420Phe)

Genes: PRICKLE1 (prickle planar cell polarity protein 1; minus strand), LOC126861509 (BRD4-independent group 4 enhancer GRCh37_chr12:42858567-42859766; plus strand). Cytogenetic location: 12q12.
Variant type: single nucleotide variant.
Coding change: c.1258C>T on transcript NM_153026.3 (MANE Select); coding-DNA position 1258, C replaced by T.
Protein change: p.Leu420Phe; replaces leucine 420 with phenylalanine.
Molecular consequence: missense variant.
Genome position (GRCh38, 1-based): chr12:42,464,776, G>A on the plus strand (C>T on the coding strand, the complement: PRICKLE1 is on the minus strand). VCF-style: chr12-42464776-G-A. GRCh37 (hg19) VCF-style: chr12-42858578-G-A.
Other names: c.1258C>T, p.Leu420Phe (NM_001144881.2, NM_001144882.2, NM_001144883.2); short protein forms L420F.
Identifiers: ClinVar variation 1507937 (VCV001507937.8), dbSNP rs2140101132, ClinGen allele CA384442106.
Genomic context (GRCh38, chr12:42,464,776, plus strand): 5'-TGGCTCGAATATCCATCTCATTGGGCTGTGGCTGAAAGAGGCTTTTATCACCAAACTTGA[G>A]GAGGAGCTGCGTCATATAATCTTCATGATCAGCCCATTCTTCAGGGTCTTCTGGAGTTTC-3'
Protein context (NP_694571.2, residues 410-430): DHEDYMTQLL[Leu420Phe]KFGDKSLFQP

ClinVar aggregate classification (germline): Uncertain significance (1 of 4 stars; one submission).

Conditions:
Epilepsy, progressive myoclonic, 1B. Also called: PME. Identifiers: Orphanet 308, MedGen C2676254, MONDO:0012904, OMIM 612437.

Submission:

Labcorp Genetics (formerly Invitae), Labcorp
Classification: Uncertain significance for Epilepsy, progressive myoclonic, 1B. Last evaluated: 2021-07-26. Review status: criteria provided, single submitter. Criteria: Invitae Variant Classification Sherloc (09022015). Collection method: clinical testing. Allele origin: germline.
Comment: This sequence change replaces leucine with phenylalanine at codon 420 of the PRICKLE1 protein (p.Leu420Phe). The leucine residue is highly conserved and there is a small physicochemical difference between leucine and phenylalanine. This variant is not present in population databases (ExAC no frequency). In summary, the available evidence is currently insufficient to determine the role of this variant in disease. Therefore, it has been classified as a Variant of Uncertain Significance. Algorithms developed to predict the effect of missense changes on protein structure and function are either unavailable or do not agree on the potential impact of this missense change (SIFT: "Deleterious"; PolyPhen-2: "Probably Damaging"; Align-GVGD: "Class C0"). This variant has not been reported in the literature in individuals affected with PRICKLE1-related conditions.